The following is an entry in ClinVar:

NM_000388.4(CASR):c.1629C>T (p.Ser543=)

Gene: CASR (calcium sensing receptor; plus strand). Cytogenetic location: 3q21.1.
Variant type: single nucleotide variant.
Coding change: c.1629C>T on transcript NM_000388.4 (MANE Select); coding-DNA position 1629, C replaced by T.
Protein change: p.Ser543=; no amino-acid change (serine 543 retained).
Molecular consequence: synonymous variant.
Genome position (GRCh38, 1-based): chr3:122,282,133, C>T. VCF-style: chr3-122282133-C-T. GRCh37 (hg19) VCF-style: chr3-122000980-C-T.
Other names: c.1659C>T, p.Ser553= (NM_001178065.2).
Identifiers: ClinVar variation 64430 (VCV000064430.2), dbSNP rs387907399, ClinGen allele CA216124.

ClinVar aggregate classification (germline): Uncertain significance (0 of 4 stars; one submission).

Allele frequency attached by ClinVar (database versions not stated): 1000 Genomes Project 30x 0.00016; gnomAD exomes below 0.00001.

Submission:

Martin Pollak Laboratory,  Beth Israel Deaconess Medical Center
Classification: Uncertain significance. Review status: no assertion criteria provided. Collection method: not provided. Allele origin: unknown.
Comment: Higher UCa2+ group
ClinVar note: Converted during submission from unknown to Uncertain significance.